The following is an entry in ClinVar:

NM_000051.4(ATM):c.7963A>T (p.Lys2655Ter)

Genes: ATM (ATM serine/threonine kinase; plus strand), C11orf65 (chromosome 11 open reading frame 65; minus strand). Cytogenetic location: 11q22.3.
Variant type: single nucleotide variant.
Coding change: c.7963A>T on transcript NM_000051.4 (MANE Select); coding-DNA position 7963, A replaced by T.
Protein change: p.Lys2655Ter; replaces lysine 2655 with a stop codon.
Molecular consequence: nonsense. On other transcripts: intron variant (2).
Genome position (GRCh38, 1-based): chr11:108,333,921, A>T. VCF-style: chr11-108333921-A-T. GRCh37 (hg19) VCF-style: chr11-108204648-A-T.
Other names: c.7963A>T, p.Lys2655Ter (NM_001351834.2); c.641-24850T>A (NM_001330368.2); c.*38+1299T>A (NM_001351110.2); short protein forms K2655*.
Identifiers: ClinVar variation 1362644 (VCV001362644.6), dbSNP rs1289658632, ClinGen allele CA382561719.

ClinVar aggregate classification (germline): Pathogenic (1 of 4 stars; one submission).

Conditions:
Ataxia-telangiectasia syndrome (AT). Also called: Ataxia-telangiectasia; LOUIS-BAR SYNDROME; Ataxia-telangiectasia, complementation group D; AT, COMPLEMENTATION GROUP C; ATAXIA-TELANGIECTASIA, COMPLEMENTATION GROUP A; ATAXIA-TELANGIECTASIA, FRESNO VARIANT. Identifiers: Orphanet 100, MedGen C0004135, MONDO:0008840, OMIM 208900.

Submission:

Labcorp Genetics (formerly Invitae), Labcorp
Classification: Pathogenic for Ataxia-telangiectasia syndrome. Last evaluated: 2020-11-07. Review status: criteria provided, single submitter. Criteria: Invitae Variant Classification Sherloc (09022015). Collection method: clinical testing. Allele origin: germline.
Comment: This variant is not present in population databases (ExAC no frequency). This sequence change creates a premature translational stop signal (p.Lys2655*) in the ATM gene. It is expected to result in an absent or disrupted protein product. Loss-of-function variants in ATM are known to be pathogenic (PMID: 23807571, 25614872). For these reasons, this variant has been classified as Pathogenic. This variant has not been reported in the literature in individuals with ATM-related conditions.

Literature cited by the submitters: PubMed 23807571; PubMed 25614872.